The following is an entry in ClinVar:

NM_007373.4(SHOC2):c.687A>T (p.Gln229His)

Gene: SHOC2 (SHOC2 leucine rich repeat scaffold protein; plus strand). Cytogenetic location: 10q25.2.
Variant type: single nucleotide variant.
Coding change: c.687A>T on transcript NM_007373.4 (MANE Select); coding-DNA position 687, A replaced by T.
Protein change: p.Gln229His; replaces glutamine 229 with histidine.
Molecular consequence: missense variant. On other transcripts: 5 prime UTR variant (1), non-coding transcript variant (1), intron variant (3).
Genome position (GRCh38, 1-based): chr10:110,965,045, A>T. VCF-style: chr10-110965045-A-T. GRCh37 (hg19) VCF-style: chr10-112724803-A-T.
Other names: c.687A>T, p.Gln229His (NM_001269039.3, NM_001324336.2, NM_001324337.2 and 4 more transcripts); c.-100A>T (NM_001441188.1); c.-380-20583A>T (NM_001441190.1); c.-249-20583A>T (NM_001441191.1); c.-242-35370A>T (NM_001441189.1); short protein forms Q229H.
Identifiers: ClinVar variation 4741821 (VCV004741821.1).
Genomic context (GRCh38, chr10:110,965,045, plus strand): 5'-GGACATCAAAAACTTGTCAAAACTCAGCATGCTTAGCATTCGAGAGAACAAAATTAAACA[A>T]CTACCTGCTGAAATTGGTAAGAGGCCTTGGATTATTATTATTTGTAGTATTTGTTATGCT-3'
Protein context (NP_031399.2, residues 219-239): MLSIRENKIK[Gln229His]LPAEIGELCN

ClinVar aggregate classification (germline): Uncertain significance (1 of 4 stars; one submission).

Conditions:
RASopathy. Also called: Noonan spectrum disorder; rasopathies. Identifiers: Orphanet 536391, MedGen C5555857, MONDO:0021060.

Submission:

Labcorp Genetics (formerly Invitae), Labcorp
Classification: Uncertain significance for RASopathy. Last evaluated: 2025-11-26. Review status: criteria provided, single submitter. Criteria: Invitae Variant Classification Sherloc (09022015). Collection method: clinical testing. Allele origin: germline.
Comment: This sequence change replaces glutamine, which is neutral and polar, with histidine, which is basic and polar, at codon 229 of the SHOC2 protein (p.Gln229His). This variant is not present in population databases (gnomAD no frequency). This variant has not been reported in the literature in individuals affected with SHOC2-related conditions. Invitae Evidence Modeling of protein sequence and biophysical properties (such as structural, functional, and spatial information, amino acid conservation, physicochemical variation, residue mobility, and thermodynamic stability) indicates that this missense variant is not expected to disrupt SHOC2 protein function with a negative predictive value of 80%. In summary, the available evidence is currently insufficient to determine the role of this variant in disease. Therefore, it has been classified as a Variant of Uncertain Significance.